The following is an entry in ClinVar:

ClinVar aggregate classification (germline): Conflicting classifications of pathogenicity. Review status: criteria provided, conflicting classifications (1 of 4 stars). 3 submissions from 3 submitters: Uncertain significance (1); Likely benign (2). Last evaluated 2024-10-20.

Conditions:
Inborn genetic diseases. Identifiers: MedGen C0950123, MeSH D030342.
Familial juvenile hyperuricemic nephropathy type 1 (ADTKD1). Also called: UMOD-Associated Kidney Disease; Uromodulin-associated kidney disease; Autosomal Dominant Tubulointerstitial Kidney Disease – UMOD; Glomerulocystic kidney disease with hyperuricemia and isosthenuria; Medullary cystic kidney disease 2. Identifiers: Orphanet 209886, Orphanet 34149, Orphanet 88950, MedGen C4551496, MONDO:0008073, OMIM 162000.

gnomAD v4.1: 30 of 1,613,726 alleles (0.0019%); highest among the groups gnomAD compares: African/African-American, 0.037%; no homozygotes.

Submissions (3):

Ambry Genetics
Classification: Likely benign for Inborn genetic diseases. Last evaluated: 2024-10-20. Review status: criteria provided, single submitter. Criteria: Ambry Variant Classification Scheme 2023. Collection method: clinical testing. Allele origin: germline.

Fulgent Genetics
Classification: Likely benign for Familial juvenile hyperuricemic nephropathy type 1. Last evaluated: 2024-02-06. Review status: criteria provided, single submitter. Criteria: ACMG Guidelines, 2015. Collection method: clinical testing. Allele origin: germline.

Genetic Services Laboratory, University of Chicago
Classification: Uncertain significance. Last evaluated: 2023-05-17. Review status: criteria provided, single submitter. Criteria: ACMG Guidelines, 2015. Collection method: clinical testing. Allele origin: germline. Affected: no.
Comment: DNA sequence analysis of the UMOD gene demonstrated a sequence change, c.1475A>G, in exon 7 that results in an amino acid change, p.Asp492Gly. This sequence change has been described in the gnomAD database with a frequency of 0.04% in the African/African American subpopulation (dbSNP rs372216632). The p.Asp492Gly change affects a highly conserved amino acid residue located in a domain of the UMOD protein that is known to be functional. In-silico pathogenicity prediction tools (SIFT, PolyPhen2, Align GVGD, REVEL) provide contradictory results for the p.Asp492Gly substitution. This sequence change does not appear to have been previously described in individuals with UMOD-related disorders. Due to insufficient evidences and the lack of functional studies, the clinical significance of the p.Asp492Gly change remains unknown at this time.

NM_003361.4(UMOD):c.1475A>G (p.Asp492Gly)

Gene: UMOD (uromodulin; minus strand). Cytogenetic location: 16p12.3.
Variant type: single nucleotide variant.
Coding change: c.1475A>G on transcript NM_003361.4 (MANE Select); coding-DNA position 1475, A replaced by G.
Protein change: p.Asp492Gly; replaces aspartic acid 492 with glycine.
Molecular consequence: missense variant. On other transcripts: non-coding transcript variant (1).
Genome position (GRCh38, 1-based): chr16:20,341,193, T>C on the plus strand (A>G on the coding strand, the complement: UMOD is on the minus strand). VCF-style: chr16-20341193-T-C. GRCh37 (hg19) VCF-style: chr16-20352515-T-C.
Other names: c.1475A>G, p.Asp492Gly (NM_001008389.3, NM_001378232.1, NM_001378233.1); c.1574A>G, p.Asp525Gly (NM_001278614.2); c.1616A>G, p.Asp539Gly (NM_001378234.1, NM_001378235.1); c.1475A>G (NM_003361.3); short protein forms D492G, D525G, D539G.
Identifiers: ClinVar variation 3465872 (VCV003465872.4).
Genomic context (GRCh38, chr16:20,341,193, plus strand): 5'-CTACTGGGTGTGGCATAGCAGTTGGTCATGAGCAGTGCAAATCGGGACAGGTCGCCCCCA[T>C]CCAACATGGTGCCCACGTAGAGAAAAGCCTCAGTGGACAGTGTCACGGAGGAGCCTTGGT-3'
Protein context (NP_003352.2, residues 482-502): EAFLYVGTML[Asp492Gly]GGDLSRFALL